The following is an entry in ClinVar:

NM_004360.5(CDH1):c.351T>C (p.Asn117=)

Gene: CDH1 (cadherin 1; plus strand). Cytogenetic location: 16q22.1.
Variant type: single nucleotide variant.
Coding change: c.351T>C on transcript NM_004360.5 (MANE Select); coding-DNA position 351, T replaced by C.
Protein change: p.Asn117=; no amino-acid change (asparagine 117 retained).
Molecular consequence: synonymous variant. On other transcripts: 5 prime UTR variant (2).
Genome position (GRCh38, 1-based): chr16:68,801,857, T>C. VCF-style: chr16-68801857-T-C. GRCh37 (hg19) VCF-style: chr16-68835760-T-C.
Other names: c.351T>C (LRG_301t1); c.351T>C, p.Asn117= (NM_001317184.2); c.-1265T>C (NM_001317185.2); c.-1469T>C (NM_001317186.2).
Identifiers: ClinVar variation 532486 (VCV000532486.14), dbSNP rs1555514475, ClinGen allele CA496152698.
Genomic context (GRCh38, chr16:68,801,857, plus strand): 5'-TTTCTTGGTCTACGCCTGGGACTCCACCTACAGAAAGTTTTCCACCAAAGTCACGCTGAA[T>C]ACAGTGGGGCACCACCACCGCCCCCCGCCCCATCAGGTATGTTGGCATTTTTCTGAGAAG-3'
Protein context (NP_004351.1, residues 107-127): YRKFSTKVTL[Asn117=]TVGHHHRPPP

ClinVar aggregate classification (germline): Benign/Likely benign. Review status: criteria provided, multiple submitters, no conflicts (2 of 4 stars). 3 submissions from 3 submitters: Benign (1); Likely benign (2). Last evaluated 2025-06-03.

Conditions:
Hereditary cancer-predisposing syndrome. Also called: Neoplastic Syndromes, Hereditary; Hereditary neoplastic syndrome; Tumor predisposition; Hereditary Cancer Syndrome. Identifiers: Orphanet 140162, MedGen C0027672, MeSH D009386, MONDO:0015356.
Hereditary diffuse gastric adenocarcinoma (HDGC). Also called: DIFFUSE GASTRIC AND LOBULAR BREAST CANCER SYNDROME. Identifiers: Orphanet 26106, MedGen C1708349, MONDO:0007648, OMIM 137215.

Allele frequency attached by ClinVar (database versions not stated): gnomAD exomes below 0.00001.
gnomAD v4.1: 1 of 1,614,222 alleles (0.000062%); highest among the groups gnomAD compares: Non-Finnish European, 0.000085%; no homozygotes.

Submissions (3):

Labcorp Genetics (formerly Invitae), Labcorp
Classification: Likely benign for Hereditary diffuse gastric adenocarcinoma. Last evaluated: 2025-06-03. Review status: criteria provided, single submitter. Criteria: Invitae Variant Classification Sherloc (09022015). Collection method: clinical testing. Allele origin: germline.

Myriad Genetics, Inc.
Classification: Benign for Hereditary diffuse gastric adenocarcinoma. Last evaluated: 2024-09-12. Review status: criteria provided, single submitter. Criteria: Myriad Autosomal Dominant, Autosomal Recessive and X-Linked Classification Criteria (2023). Collection method: clinical testing. Allele origin: unknown.
Comment: This variant is considered benign. This variant is a silent/synonymous amino acid change and it is not expected to impact splicing.

Ambry Genetics
Classification: Likely benign for Hereditary cancer-predisposing syndrome. Last evaluated: 2018-02-01. Review status: criteria provided, single submitter. Criteria: Ambry Variant Classification Scheme 2023. Collection method: clinical testing. Allele origin: germline.